The following is an entry in ClinVar:

NM_000238.4(KCNH2):c.1066C>G (p.Arg356Gly)

Gene: KCNH2 (potassium voltage-gated channel subfamily H member 2; minus strand). Cytogenetic location: 7q36.1.
Variant type: single nucleotide variant.
Coding change: c.1066C>G on transcript NM_000238.4 (MANE Select); coding-DNA position 1066, C replaced by G.
Protein change: p.Arg356Gly; replaces arginine 356 with glycine.
Molecular consequence: missense variant. On other transcripts: non-coding transcript variant (1).
Genome position (GRCh38, 1-based): chr7:150,957,353, G>C on the plus strand (C>G on the coding strand, the complement: KCNH2 is on the minus strand). VCF-style: chr7-150957353-G-C. GRCh37 (hg19) VCF-style: chr7-150654441-G-C.
Other names: c.778C>G, p.Arg260Gly (NM_001406753.1, NM_001406756.1); c.889C>G, p.Arg297Gly (NM_001406755.1); c.766C>G, p.Arg256Gly (NM_001406757.1); c.1066C>G, p.Arg356Gly (NM_172056.3); short protein forms R297G, R256G, R260G, R356G.
Identifiers: ClinVar variation 2846704 (VCV002846704.3), dbSNP rs772689518, ClinGen allele CA369861541.

ClinVar aggregate classification (germline): Uncertain significance (1 of 4 stars; one submission).

Conditions:
Long QT syndrome (LQTS). Identifiers: MedGen C0023976, MeSH D008133, MONDO:0002442. Disease mechanism: loss of function. Inheritance: Various modes of inheritance.

Submission:

Labcorp Genetics (formerly Invitae), Labcorp
Classification: Uncertain significance for Long QT syndrome. Last evaluated: 2024-04-25. Review status: criteria provided, single submitter. Criteria: Invitae Variant Classification Sherloc (09022015). Collection method: clinical testing. Allele origin: germline.
Comment: This sequence change replaces arginine, which is basic and polar, with glycine, which is neutral and non-polar, at codon 356 of the KCNH2 protein (p.Arg356Gly). This variant is not present in population databases (gnomAD no frequency). This variant has not been reported in the literature in individuals affected with KCNH2-related conditions. An algorithm developed to predict the effect of missense changes on protein structure and function (PolyPhen-2) suggests that this variant is likely to be tolerated. In summary, the available evidence is currently insufficient to determine the role of this variant in disease. Therefore, it has been classified as a Variant of Uncertain Significance.